The following is an entry in ClinVar:

ClinVar aggregate classification (germline): Conflicting classifications of pathogenicity. Review status: criteria provided, conflicting classifications (1 of 4 stars). 5 submissions from 1 submitter: Uncertain significance (3); Benign (2). Last evaluated 2018-01-13.

Conditions:
Myopathy, myofibrillar, 9, with early respiratory failure (MFM9). Also called: MYOPATHY, PROXIMAL, WITH EARLY RESPIRATORY MUSCLE INVOLVEMENT; Hereditary myopathy with early respiratory failure; EDSTROM MYOPATHY; Myopathy, distal, with early respiratory failure, autosomal dominant. Identifiers: Orphanet 178464, Orphanet 34521, MedGen C1863599, MONDO:0011362, OMIM 603689.
Early-onset myopathy with fatal cardiomyopathy (CMYO5). Also called: Salih Myopathy; CONGENITAL MYOPATHY 5 WITH CARDIOMYOPATHY. Identifiers: Orphanet 289377, MedGen C2673677, MONDO:0012714, OMIM 611705. Disease mechanism: loss of function.
Dilated cardiomyopathy 1G (CMD1G). Identifiers: Orphanet 154, MedGen C1858763, MONDO:0011400, OMIM 604145.
Tibial muscular dystrophy (TMD). Also called: UDD MYOPATHY; Udd Distal Myopathy – Tibial Muscular Dystrophy; Tibial muscular dystrophy, tardive. Identifiers: Orphanet 609, MedGen C1838244, MONDO:0010870, OMIM 600334.
Autosomal recessive limb-girdle muscular dystrophy type 2J (LGMDR10). Also called: Limb-girdle muscular dystrophy, type 2J; MUSCULAR DYSTROPHY, LIMB-GIRDLE, AUTOSOMAL RECESSIVE 10. Identifiers: Orphanet 140922, MedGen C1837342, MONDO:0012127, OMIM 608807.

Allele frequency attached by ClinVar (database versions not stated): TOPMed 0.00001; gnomAD exomes 0.00002 and 0.00006; ExAC 0.00009.
gnomAD v4.1: 33 of 1,549,578 alleles (0.0021%); highest among the groups gnomAD compares: East Asian, 0.075%; no homozygotes.

Submissions (5):

Illumina Laboratory Services, Illumina
Classification: Benign for Tibial muscular dystrophy. Last evaluated: 2018-01-13. Review status: criteria provided, single submitter. Criteria: ICSL Variant Classification Criteria 13 December 2019. Collection method: clinical testing. Allele origin: germline.
Comment: This variant was observed in the ICSL laboratory as part of a predisposition screen in an ostensibly healthy population. It had not been previously curated by ICSL or reported in the Human Gene Mutation Database (HGMD: prior to June 1st, 2018), and was therefore a candidate for classification through an automated scoring system. Utilizing variant allele frequency, disease prevalence and penetrance estimates, and inheritance mode, an automated score was calculated to assess if this variant is too frequent to cause the disease. Based on the score and internal cut-off values, a variant classified as benign is not then subjected to further curation. The score for this variant resulted in a classification of benign for this disease.

Illumina Laboratory Services, Illumina
Classification: Uncertain significance for Autosomal recessive limb-girdle muscular dystrophy type 2J. Last evaluated: 2018-01-13. Review status: criteria provided, single submitter. Criteria: ICSL Variant Classification Criteria 13 December 2019. Collection method: clinical testing. Allele origin: germline.

Illumina Laboratory Services, Illumina
Classification: Uncertain significance for Early-onset myopathy with fatal cardiomyopathy. Last evaluated: 2018-01-13. Review status: criteria provided, single submitter. Criteria: ICSL Variant Classification Criteria 13 December 2019. Collection method: clinical testing. Allele origin: germline.

Illumina Laboratory Services, Illumina
Classification: Uncertain significance for Dilated cardiomyopathy 1G. Last evaluated: 2018-01-13. Review status: criteria provided, single submitter. Criteria: ICSL Variant Classification Criteria 13 December 2019. Collection method: clinical testing. Allele origin: germline.

Illumina Laboratory Services, Illumina
Classification: Benign for Myopathy, myofibrillar, 9, with early respiratory failure. Last evaluated: 2018-01-13. Review status: criteria provided, single submitter. Criteria: ICSL Variant Classification Criteria 13 December 2019. Collection method: clinical testing. Allele origin: germline.
Comment: the same text as in the submission from Illumina Laboratory Services, Illumina above.

NM_001267550.2(TTN):c.32837A>T (p.Glu10946Val)

Gene: TTN (titin; minus strand). Cytogenetic location: 2q31.2.
Variant type: single nucleotide variant.
Coding change: c.32837A>T on transcript NM_001267550.2 (MANE Select); coding-DNA position 32837, A replaced by T.
Protein change: p.Glu10946Val; replaces glutamic acid 10946 with valine.
Molecular consequence: missense variant. On other transcripts: intron variant (3).
Genome position (GRCh38, 1-based): chr2:178,683,261, T>A on the plus strand (A>T on the coding strand, the complement: TTN is on the minus strand). VCF-style: chr2-178683261-T-A. GRCh37 (hg19) VCF-style: chr2-179547988-T-A.
Other names: c.31886A>T, p.Glu10629Val (NM_001256850.1); c.29105A>T, p.Glu9702Val (NM_133378.4); c.13283-40944A>T (NM_003319.4); c.13859-40944A>T (NM_133437.4); c.13658-40944A>T (NM_133432.3); short protein forms E10629V, E10946V, E9702V.
Identifiers: ClinVar variation 809032 (VCV000809032.15), dbSNP rs763205133, ClinGen allele CA1998509.
Genomic context (GRCh38, chr2:178,683,261, plus strand): 5'-TTCAATATACCTTTGATGGGTTGAGGTTCTCTTTTTGGAGCTTCAATTGATACTTTTTCT[T>A]CTTTAACCACTCTTTTTCTGAATTCAGTCACTTTAAAGGAGTAATTATTAAAAGTGAATT-3'
Protein context (NP_001254479.2, residues 10936-10956): VTEFRKRVVK[Glu10946Val]EKVSIEAPKR